The following is an entry in ClinVar:

ClinVar aggregate classification (germline): Uncertain significance (1 of 4 stars; one submission).

Conditions:
Developmental and epileptic encephalopathy, 34 (DEE34). Also called: SLC12A5-Related Epilepsy of Infancy with Migrating Focal Seizures; Early infantile epileptic encephalopathy 34. Identifiers: Orphanet 293181, MedGen C4225257, MONDO:0014718, OMIM 616645.

gnomAD v4.1: 1 of 1,613,950 alleles (0.000062%); highest among the groups gnomAD compares: Non-Finnish European, 0.000085%; no homozygotes.

Submission:

Labcorp Genetics (formerly Invitae), Labcorp
Classification: Uncertain significance for Developmental and epileptic encephalopathy, 34. Last evaluated: 2022-08-10. Review status: criteria provided, single submitter. Criteria: Invitae Variant Classification Sherloc (09022015). Collection method: clinical testing. Allele origin: germline.
Comment: This sequence change replaces threonine, which is neutral and polar, with isoleucine, which is neutral and non-polar, at codon 375 of the SLC12A5 protein (p.Thr375Ile). This variant is not present in population databases (gnomAD no frequency). This variant has not been reported in the literature in individuals affected with SLC12A5-related conditions. ClinVar contains an entry for this variant (Variation ID: 1437646). Advanced modeling of protein sequence and biophysical properties (such as structural, functional, and spatial information, amino acid conservation, physicochemical variation, residue mobility, and thermodynamic stability) performed at Invitae indicates that this missense variant is not expected to disrupt SLC12A5 protein function. In summary, the available evidence is currently insufficient to determine the role of this variant in disease. Therefore, it has been classified as a Variant of Uncertain Significance.

NM_020708.5(SLC12A5):c.1124C>T (p.Thr375Ile)

Gene: SLC12A5 (solute carrier family 12 member 5; plus strand). Cytogenetic location: 20q13.12.
Variant type: single nucleotide variant.
Coding change: c.1124C>T on transcript NM_020708.5 (MANE Select); coding-DNA position 1124, C replaced by T.
Protein change: p.Thr375Ile; replaces threonine 375 with isoleucine.
Molecular consequence: missense variant.
Genome position (GRCh38, 1-based): chr20:46,043,210, C>T. VCF-style: chr20-46043210-C-T. GRCh37 (hg19) VCF-style: chr20-44671849-C-T.
Other names: c.1193C>T, p.Thr398Ile (NM_001134771.2); short protein forms T375I, T398I.
Identifiers: ClinVar variation 1437646 (VCV001437646.8), dbSNP rs772033105, ClinGen allele CA409191742.